The following is an entry in ClinVar:

ClinVar aggregate classification (germline): Uncertain significance. Review status: criteria provided, multiple submitters, no conflicts (2 of 4 stars). 2 submissions from 2 submitters: Uncertain significance (2). Last evaluated 2023-10-15.

Conditions:
Inborn genetic diseases. Identifiers: MedGen C0950123, MeSH D030342.
Neuronal ceroid lipofuscinosis 11. Also called: GRN-Related Neuronal Ceroid-Lipofuscinosis. Identifiers: Orphanet 314629, Orphanet 79262, MedGen C3539123, MONDO:0013866, OMIM 614706.
GRN-related frontotemporal lobar degeneration with Tdp43 inclusions (FTD2). Also called: GRN Frontotemporal Dementia; FRONTOTEMPORAL DEMENTIA WITH TDP43 INCLUSIONS, GRN-RELATED; DEMENTIA, HEREDITARY DYSPHASIC DISINHIBITION; FRONTOTEMPORAL LOBAR DEGENERATION WITH UBIQUITIN-POSITIVE INCLUSIONS; FTLD-TDP, GRN-RELATED. Identifiers: Orphanet 100070, Orphanet 282, MedGen C1843792, MONDO:0011842, OMIM 607485. Disease mechanism: loss of function.

Allele frequency attached by ClinVar (database versions not stated): ExAC 0.00001; gnomAD 0.00001; gnomAD exomes 0.00001; TOPMed 0.00001.
gnomAD v4.1: 16 of 1,608,738 alleles (0.00099%); highest among the groups gnomAD compares: African/African-American, 0.0027%; no homozygotes.

Submissions (2):

Labcorp Genetics (formerly Invitae), Labcorp
Classification: Uncertain significance for Neuronal ceroid lipofuscinosis 11; GRN-related frontotemporal lobar degeneration with Tdp43 inclusions. Last evaluated: 2023-10-15. Review status: criteria provided, single submitter. Criteria: Invitae Variant Classification Sherloc (09022015). Collection method: clinical testing. Allele origin: germline.
Comment: This sequence change replaces arginine, which is basic and polar, with cysteine, which is neutral and slightly polar, at codon 298 of the GRN protein (p.Arg298Cys). This variant is present in population databases (rs768033215, gnomAD 0.007%). This variant has not been reported in the literature in individuals affected with GRN-related conditions. ClinVar contains an entry for this variant (Variation ID: 589907). Advanced modeling of protein sequence and biophysical properties (such as structural, functional, and spatial information, amino acid conservation, physicochemical variation, residue mobility, and thermodynamic stability) performed at Invitae indicates that this missense variant is expected to disrupt GRN protein function. In summary, the available evidence is currently insufficient to determine the role of this variant in disease. Therefore, it has been classified as a Variant of Uncertain Significance.

Ambry Genetics
Classification: Uncertain significance for Inborn genetic diseases. Last evaluated: 2016-08-30. Review status: criteria provided, single submitter. Criteria: Ambry Variant Classification Scheme 2023. Collection method: clinical testing. Allele origin: germline.
Comment: The p.R298C variant (also known as c.892C>T), located in coding exon 8 of the GRN gene, results from a C to T substitution at nucleotide position 892. The arginine at codon 298 is replaced by cysteine, an amino acid with highly dissimilar properties. This variant was not reported in population based cohorts in the following databases: Database of Single Nucleotide Polymorphisms (dbSNP), NHLBI Exome Sequencing Project (ESP), and 1000 Genomes Project. In the ESP, this variant was not observed in 6503 samples (13006 alleles) with coverage at this position. This amino acid position is not well conserved in available vertebrate species. In addition, the in silico prediction for this alteration is inconclusive. Since supporting evidence is limited at this time, the clinical significance of this alteration remains unclear.

NM_002087.4(GRN):c.892C>T (p.Arg298Cys)

Gene: GRN (granulin precursor; plus strand). Cytogenetic location: 17q21.31.
Variant type: single nucleotide variant.
Coding change: c.892C>T on transcript NM_002087.4 (MANE Select); coding-DNA position 892, C replaced by T.
Protein change: p.Arg298Cys; replaces arginine 298 with cysteine.
Molecular consequence: missense variant.
Genome position (GRCh38, 1-based): chr17:44,351,419, C>T. VCF-style: chr17-44351419-C-T. GRCh37 (hg19) VCF-style: chr17-42428787-C-T.
Other names: short protein forms R298C.
Identifiers: ClinVar variation 589907 (VCV000589907.10), dbSNP rs768033215, ClinGen allele CA8602053.